The following is an entry in ClinVar:

ClinVar aggregate classification (germline): Likely benign. Review status: criteria provided, single submitter (1 of 4 stars). 2 submissions from 2 submitters: Likely benign (1). 1 of the submissions does not count toward it. Last evaluated 2018-05-07.

Conditions:
TK2-related disorder. Also called: TK2-related condition.

Allele frequency attached by ClinVar (database versions not stated): gnomAD exomes 0.00003 and 0.00012; ExAC 0.00008; TOPMed 0.00008; 1000 Genomes Project 30x 0.00016; gnomAD 0.00016; 1000 Genomes Project 0.00020.
gnomAD v4.1: 74 of 1,614,148 alleles (0.0046%); highest among the groups gnomAD compares: Admixed American, 0.067%; no homozygotes.

Submissions (2):

GeneDx
Classification: Likely benign. Last evaluated: 2018-05-07. Review status: criteria provided, single submitter. Criteria: GeneDx Variant Classification (06012015). Collection method: clinical testing. Allele origin: germline. Affected: yes.
Comment: This variant is considered likely benign or benign based on one or more of the following criteria: it is a conservative change, it occurs at a poorly conserved position in the protein, it is predicted to be benign by multiple in silico algorithms, and/or has population frequency not consistent with disease.

PreventionGenetics, part of Exact Sciences
Classification: Likely benign for TK2-related condition. Last evaluated: 2019-09-06. Review status: no assertion criteria provided. Collection method: clinical testing. Allele origin: germline. Not counted in ClinVar's aggregate classification.
Comment: This variant is classified as likely benign based on ACMG/AMP sequence variant interpretation guidelines (Richards et al. 2015 PMID: 25741868, with internal and published modifications).

NM_004614.5(TK2):c.360G>A (p.Arg120=)

Gene: TK2 (thymidine kinase 2; minus strand). Cytogenetic location: 16q21.
Variant type: single nucleotide variant.
Coding change: c.360G>A on transcript NM_004614.5 (MANE Select); coding-DNA position 360, G replaced by A.
Protein change: p.Arg120=; no amino-acid change (arginine 120 retained).
Molecular consequence: synonymous variant. On other transcripts: non-coding transcript variant (1).
Genome position (GRCh38, 1-based): chr16:66,531,395, C>T on the plus strand (G>A on the coding strand, the complement: TK2 is on the minus strand). VCF-style: chr16-66531395-C-T. GRCh37 (hg19) VCF-style: chr16-66565298-C-T.
Other names: c.267G>A, p.Arg89= (NM_001172643.1, NM_001271935.1); c.285G>A, p.Arg95= (NM_001172644.2); c.306G>A, p.Arg102= (NM_001172645.2); c.213G>A, p.Arg71= (NM_001271934.2); c.69G>A, p.Arg23= (NM_001272050.2).
Identifiers: ClinVar variation 669613 (VCV000669613.3), dbSNP rs191278143, ClinGen allele CA8093707.
Genomic context (GRCh38, chr16:66,531,395, plus strand): 5'-GAAGAAAACGTTTAAGAAGGCTGAAACTGAGCATCTGAAACCTACCTGAGGACGAGTATG[C>T]CTGTCCAGCATGGTGAGCTGCACATAAGTCTGTAGCGTAAGACCCCAGCGAGAGGCATCG-3'
Protein context (NP_004605.4, residues 110-130): QTYVQLTMLD[Arg120=]HTRPQVSSVR